The following is an entry in ClinVar:

ClinVar aggregate classification (germline): Uncertain significance (1 of 4 stars; one submission).

Conditions:
Spondyloenchondrodysplasia with immune dysregulation (SPENCDI). Also called: COMBINED IMMUNODEFICIENCY WITH AUTOIMMUNITY AND SPONDYLOMETAPHYSEAL DYSPLASIA; SPONDYLOENCHONDRODYSPLASIA WITH OR WITHOUT IMMUNE DYSREGULATION; ROIFMAN IMMUNOSKELETAL SYNDROME. Identifiers: Orphanet 1855, MedGen C1842763, MONDO:0011939, OMIM 607944.

Submission:

Labcorp Genetics (formerly Invitae), Labcorp
Classification: Uncertain significance for Spondyloenchondrodysplasia with immune dysregulation. Last evaluated: 2022-08-22. Review status: criteria provided, single submitter. Criteria: Invitae Variant Classification Sherloc (09022015). Collection method: clinical testing. Allele origin: germline.
Comment: In summary, the available evidence is currently insufficient to determine the role of this variant in disease. Therefore, it has been classified as a Variant of Uncertain Significance. This variant has not been reported in the literature in individuals affected with ACP5-related conditions. This variant is not present in population databases (gnomAD no frequency). This sequence change disrupts the translational stop signal of the ACP5 mRNA. It is expected to extend the length of the ACP5 protein by 8 additional amino acid residues.

NM_001611.5(ACP5):c.976T>C (p.Ter326Arg)

Gene: ACP5 (acid phosphatase 5, tartrate resistant; minus strand). Cytogenetic location: 19p13.2.
Variant type: single nucleotide variant.
Coding change: c.976T>C on transcript NM_001611.5 (MANE Select); coding-DNA position 976, T replaced by C.
Protein change: p.Ter326Arg.
Molecular consequence: stop lost.
Genome position (GRCh38, 1-based): chr19:11,575,012, A>G on the plus strand (T>C on the coding strand, the complement: ACP5 is on the minus strand). VCF-style: chr19-11575012-A-G. GRCh37 (hg19) VCF-style: chr19-11685827-A-G.
Other names: c.976T>C, p.Ter326Arg (NM_001111034.3, NM_001111035.3, NM_001111036.3 and 1 more transcripts).
Identifiers: ClinVar variation 2022497 (VCV002022497.2), dbSNP rs2512718423, ClinGen allele CA404144921.
Genomic context (GRCh38, chr19:11,575,012, plus strand): 5'-CAGGGCCCACCCACCCAACAGTGGAGATCGGGCCTCAGAGCTGGGCAGTCATGGGAGTTC[A>G]GGGCCTGGCTCGCCTCGGCAGCCTGGTCTTAAAGAGGGACTTGCCCGAGGCCTCGATGTA-3'